The following is an entry in ClinVar:

ClinVar aggregate classification (germline): Conflicting classifications of pathogenicity. Review status: criteria provided, conflicting classifications (1 of 4 stars). 7 submissions from 6 submitters: Uncertain significance (3); Likely benign (3). 1 of the submissions does not count toward it. Last evaluated 2026-01-28.

Conditions:
NF1-related disorder. Also called: NF1-related condition. Identifiers: MedGen CN379171.
Hereditary cancer-predisposing syndrome. Also called: Hereditary Cancer Syndrome; Neoplastic Syndromes, Hereditary; Tumor predisposition; Hereditary neoplastic syndrome. Identifiers: Orphanet 140162, MedGen C0027672, MeSH D009386, MONDO:0015356.
Cardiovascular phenotype. Identifiers: MedGen CN230736.
Neurofibromatosis, type 1 (NF1). Also called: NEUROFIBROMATOSIS, TYPE I, SOMATIC; VON RECKLINGHAUSEN DISEASE; Peripheral type neurofibromatosis; Neurofibromatosis, type I. Identifiers: Orphanet 636, MedGen C0027831, MONDO:0018975, OMIM 162200. Disease mechanism: loss of function.

Allele frequency attached by ClinVar (database versions not stated): gnomAD exomes 0.00001 and 0.00004; ExAC 0.00007; TOPMed 0.00009; gnomAD 0.00012 and 0.00013; ESP Exome Variant Server 0.00015; 1000 Genomes Project 30x 0.00031; 1000 Genomes Project 0.00040.

Submissions (7):

Labcorp Genetics (formerly Invitae), Labcorp
Classification: Likely benign for Neurofibromatosis, type 1. Last evaluated: 2026-01-28. Review status: criteria provided, single submitter. Criteria: Invitae Variant Classification Sherloc (09022015). Collection method: clinical testing. Allele origin: germline.

Sema4
Classification: Uncertain significance for Hereditary cancer-predisposing syndrome. Last evaluated: 2022-01-13. Review status: criteria provided, single submitter. Criteria: Sema4 Curation Guidelines. Collection method: curation. Allele origin: germline.
Comment: To the best of our knowledge, the NF1 c.2191C>T (p.L731F) variant has not been reported in individuals with NF1-related disease. This variant was observed in 10/24974 chromosomes in the African population, with no homozygotes, according to the Genome Aggregation Database (PMID: 32461654). The variant has also been reported in ClinVar (Variation ID: 185893). In silico tools suggest the impact of the variant on protein function is benign, though these predictions have not been confirmed by functional studies. Based on the current evidence available, this variant is interpreted as a variant of uncertain significance.

Women's Health and Genetics/Laboratory Corporation of America, LabCorp
Classification: Uncertain significance. Last evaluated: 2020-04-20. Review status: criteria provided, single submitter. Criteria: LabCorp Variant Classification Summary - May 2015. Collection method: clinical testing. Allele origin: germline.
Comment: Variant summary: NF1 c.2191C>T (p.Leu731Phe) results in a non-conservative amino acid change in the encoded protein sequence. Four of five in-silico tools predict a benign effect of the variant on protein function. The variant allele was found at a frequency of 4e-05 in 251058 control chromosomes (gnomAD). The observed variant frequency is approximately 16 fold (10 alleles in controls) of the estimated maximal expected allele frequency for a pathogenic variant in NF1 causing Noonan Syndrome And Related Conditions phenotype (2.5e-06), suggesting that the variant is benign. However, this observance needs to be cautiously considered due to the possibility of the NF1 pseudogene being captured. To our knowledge, no occurrence of c.2191C>T in individuals affected with Noonan Syndrome And Related Conditions and no experimental evidence demonstrating its impact on protein function have been reported. Three ClinVar submitters (evaluation after 2014) cite the variant as uncertain significance. Based on the evidence outlined above, the variant was classified as uncertain significance.

GeneDx
Classification: Uncertain significance. Last evaluated: 2019-11-15. Review status: criteria provided, single submitter. Criteria: GeneDx Variant Classification Process June 2021. Collection method: clinical testing. Allele origin: germline. Affected: yes.
Comment: In silico analysis, which includes protein predictors and evolutionary conservation, supports that this variant does not alter protein structure/function; Has not been previously published as pathogenic or benign to our knowledge

Ambry Genetics
Classification: Likely benign for Cardiovascular phenotype; Hereditary cancer-predisposing syndrome. Last evaluated: 2019-01-23. Review status: criteria provided, single submitter. Criteria: Ambry Variant Classification Scheme 2023. Collection method: clinical testing. Allele origin: germline.

Ambry Genetics
Classification: Likely benign for Hereditary cancer-predisposing syndrome. Last evaluated: 2014-08-09. Review status: criteria provided, single submitter. Criteria: Ambry Autosomal Dominant and X-Linked criteria (10/2015). Collection method: clinical testing. Allele origin: germline. Observed: 1 variant allele.
Comment: In silico models in agreement (benign);Insufficient or conflicting evidence;Other strong data supporting benign classification

PreventionGenetics, part of Exact Sciences
Classification: Uncertain significance for NF1-related condition. Last evaluated: 2024-09-26. Review status: no assertion criteria provided. Collection method: clinical testing. Allele origin: germline. Not counted in ClinVar's aggregate classification.
Comment: The NF1 c.2191C>T variant is predicted to result in the amino acid substitution p.Leu731Phe. To our knowledge, this variant has not been reported in the literature. This variant is reported in 0.040% of alleles in individuals of African descent in gnomAD and has conflicting interpretations regarding its pathogenicity in ClinVar, ranging from likely benign to uncertain. Although we suspect that this variant may be benign, at this time, the clinical significance of this variant is uncertain due to the absence of conclusive functional and genetic evidence.

Literature cited by the submitters: PubMed 10678181 (cited by Women's Health and Genetics/Laboratory Corporation of America, LabCorp); PubMed 23460398 (cited by Women's Health and Genetics/Laboratory Corporation of America, LabCorp); PubMed 29872168 (cited by Women's Health and Genetics/Laboratory Corporation of America, LabCorp); PubMed 27069254 (cited by Women's Health and Genetics/Laboratory Corporation of America, LabCorp).

NM_001042492.3(NF1):c.2191C>T (p.Leu731Phe)

Gene: NF1 (neurofibromin 1; plus strand). Cytogenetic location: 17q11.2.
Variant type: single nucleotide variant.
Coding change: c.2191C>T on transcript NM_001042492.3 (MANE Select); coding-DNA position 2191, C replaced by T.
Protein change: p.Leu731Phe; replaces leucine 731 with phenylalanine.
Molecular consequence: missense variant.
Genome position (GRCh38, 1-based): chr17:31,226,624, C>T. VCF-style: chr17-31226624-C-T. GRCh37 (hg19) VCF-style: chr17-29553642-C-T.
Other names: c.2191C>T, p.Leu731Phe (NM_000267.4); short protein forms L731F.
Identifiers: ClinVar variation 185893 (VCV000185893.18), dbSNP rs185204667, ClinGen allele CA193274.